The following is an entry in ClinVar:

NM_001258392.3(CLPB):c.646+7359A>G

Gene: CLPB (ClpB family mitochondrial disaggregase; minus strand). Cytogenetic location: 11q13.4.
Variant type: single nucleotide variant.
Coding change: c.646+7359A>G on transcript NM_001258392.3 (MANE Select); 7359 bases into the intron after coding-DNA position 646, A replaced by G.
Molecular consequence: intron variant.
Genome position (GRCh38, 1-based): chr11:72,372,922, T>C on the plus strand (A>G on the coding strand, the complement: CLPB is on the minus strand). VCF-style: chr11-72372922-T-C. GRCh37 (hg19) VCF-style: chr11-72083966-T-C.
Other names: c.559+7359A>G (NM_001258393.3); c.736+3A>G (NM_030813.6); c.601+3A>G (NM_001258394.3).
Identifiers: ClinVar variation 1700286 (VCV001700286.2), dbSNP rs766260304, ClinGen allele CA6171462.

ClinVar aggregate classification (germline): Uncertain significance (1 of 4 stars; one submission).

Allele frequency attached by ClinVar (database versions not stated): gnomAD exomes below 0.00001; TOPMed below 0.00001; ExAC 0.00001.
gnomAD v4.1: 2 of 1,613,200 alleles (0.00012%); highest among the groups gnomAD compares: Admixed American, 0.0017%; no homozygotes.

Submission:

GeneDx
Classification: Uncertain significance. Last evaluated: 2022-02-08. Review status: criteria provided, single submitter. Criteria: GeneDx Variant Classification Process June 2021. Collection method: clinical testing. Allele origin: germline. Affected: yes.
Comment: Not observed at significant frequency in large population cohorts (gnomAD); In silico analysis supports a deleterious effect on splicing; Has not been previously published as pathogenic or benign to our knowledge